The following is an entry in ClinVar:

ClinVar aggregate classification (germline): Benign/Likely benign. Review status: criteria provided, multiple submitters, no conflicts (2 of 4 stars). 7 submissions from 6 submitters: Benign (3); Likely benign (4). Last evaluated 2026-02-02.

Conditions:
Nephronophthisis. Also called: Juvenile Nephronophthisis. Identifiers: Orphanet 655, MedGen C0687120, MONDO:0019005, HP:0000090.
Senior-Loken syndrome 4 (SLSN4). Identifiers: Orphanet 3156, MedGen C1846979, MONDO:0011756, OMIM 606996.
Nephronophthisis 4 (NPHP4). Also called: NEPHRONOPHTHISIS 4, JUVENILE. Identifiers: Orphanet 655, MedGen C1847013, MONDO:0011752, OMIM 606966.

Allele frequency attached by ClinVar (database versions not stated): TOPMed 0.00413; ExAC 0.00139; ESP Exome Variant Server 0.00343; gnomAD exomes 0.00040 and 0.00090; 1000 Genomes Project 30x 0.00281; gnomAD 0.00383 and 0.00420; 1000 Genomes Project 0.00300.
gnomAD v4.1: 1,174 of 1,609,728 alleles (0.073%); highest among the groups gnomAD compares: African/African-American, 1.3%; 4 homozygotes.

Submissions (7):

Labcorp Genetics (formerly Invitae), Labcorp
Classification: Benign for Nephronophthisis. Last evaluated: 2026-02-02. Review status: criteria provided, single submitter. Criteria: Invitae Variant Classification Sherloc (09022015). Collection method: clinical testing. Allele origin: germline.

Mayo Clinic Laboratories, Mayo Clinic
Classification: Likely benign. Last evaluated: 2025-12-14. Review status: criteria provided, single submitter. Criteria: ACMG Guidelines, 2015. Collection method: clinical testing. Allele origin: germline. Observed: 5 variant alleles.
Comment: BS1, BP4_moderate

Blueprint Genetics
Classification: Likely benign. Last evaluated: 2024-11-13. Review status: criteria provided, single submitter. Criteria: ACMG Guidelines, 2015. Collection method: clinical testing. Allele origin: germline.

Genetic Services Laboratory, University of Chicago
Classification: Likely benign. Last evaluated: 2021-06-28. Review status: criteria provided, single submitter. Criteria: ACMG Guidelines, 2015. Collection method: clinical testing. Allele origin: germline. Affected: no.

Illumina Laboratory Services, Illumina
Classification: Benign for Senior-Loken syndrome 4. Last evaluated: 2017-04-28. Review status: criteria provided, single submitter. Criteria: ICSL Variant Classification Criteria 13 December 2019. Collection method: clinical testing. Allele origin: germline.
Comment: This variant was observed as part of a predisposition screen in an ostensibly healthy population. A literature search was performed for the gene, cDNA change, and amino acid change (where applicable). Publications were found based on this search. The evidence from the literature, in combination with allele frequency data from public databases where available, was sufficient to rule this variant out of causing disease. Therefore, this variant is classified as benign.

Illumina Laboratory Services, Illumina
Classification: Likely benign for Nephronophthisis 4. Last evaluated: 2017-04-28. Review status: criteria provided, single submitter. Criteria: ICSL Variant Classification Criteria 13 December 2019. Collection method: clinical testing. Allele origin: germline.
Comment: This variant was observed as part of a predisposition screen in an ostensibly healthy population. A literature search was performed for the gene, cDNA change, and amino acid change (where applicable). Publications were found based on this search. The evidence from the literature, in combination with allele frequency data from public databases where available, was sufficient to determine this variant is unlikely to cause disease. Therefore, this variant is classified as likely benign.

Eurofins Ntd Llc (ga)
Classification: Benign. Last evaluated: 2012-08-28. Review status: criteria provided, single submitter. Criteria: EGL Classification Definitions 2015. Collection method: clinical testing. Allele origin: germline. Observed: 1 variant allele, 1 heterozygote.

Literature cited by the submitters: PubMed 15776426 (cited by Illumina Laboratory Services, Illumina).

NM_015102.5(NPHP4):c.2293G>A (p.Val765Ile)

Gene: NPHP4 (nephrocystin 4; minus strand). Cytogenetic location: 1p36.31.
Variant type: single nucleotide variant.
Coding change: c.2293G>A on transcript NM_015102.5 (MANE Select); coding-DNA position 2293, G replaced by A.
Protein change: p.Val765Ile; replaces valine 765 with isoleucine.
Molecular consequence: missense variant. On other transcripts: non-coding transcript variant (1).
Genome position (GRCh38, 1-based): chr1:5,890,879, C>T on the plus strand (G>A on the coding strand, the complement: NPHP4 is on the minus strand). VCF-style: chr1-5890879-C-T. GRCh37 (hg19) VCF-style: chr1-5950939-C-T.
Other names: c.754G>A, p.Val252Ile (NM_001291593.2); c.757G>A, p.Val253Ile (NM_001291594.2); short protein forms V765I, V252I, V253I.
Identifiers: ClinVar variation 95674 (VCV000095674.21), dbSNP rs149244006, ClinGen allele CA345430.
Genomic context (GRCh38, chr1:5,890,879, plus strand): 5'-CATGAGGGACGCAGCACCCACTGTGCCTGTCCTTCCAGAGAGCCGCTACCTTCATCTGGA[C>T]GGCAGCAGATCCGATGAGCAGCAGGGAGTCTCCGTCCCAGACGTCAATCTGCAGGGTCTG-3'
Protein context (NP_055917.1, residues 755-775): DSLLLIGSAA[Val765Ile]QMKHLLRQGR